The following is an entry in ClinVar:

NM_015338.6(ASXL1):c.1387A>G (p.Ser463Gly)

Gene: ASXL1 (ASXL transcriptional regulator 1; plus strand). Cytogenetic location: 20q11.21.
Variant type: single nucleotide variant.
Coding change: c.1387A>G on transcript NM_015338.6 (MANE Select); coding-DNA position 1387, A replaced by G.
Protein change: p.Ser463Gly; replaces serine 463 with glycine.
Molecular consequence: missense variant.
Genome position (GRCh38, 1-based): chr20:32,433,585, A>G. VCF-style: chr20-32433585-A-G. GRCh37 (hg19) VCF-style: chr20-31021388-A-G.
Other names: c.1204A>G, p.Ser402Gly (NM_001363734.1); short protein forms S463G, S402G.
Identifiers: ClinVar variation 1031900 (VCV001031900.4), dbSNP rs1161459110, ClinGen allele CA408556469.

ClinVar aggregate classification (germline): Uncertain significance. Review status: criteria provided, multiple submitters, no conflicts (2 of 4 stars). 2 submissions from 2 submitters: Uncertain significance (2). Last evaluated 2025-04-11.

Conditions:
Bohring-Opitz syndrome. Also called: C-LIKE SYNDROME; BOHRING SYNDROME; OPITZ TRIGONOCEPHALY-LIKE SYNDROME; ASXL1-Related Bohring-Opitz Syndrome. Identifiers: Orphanet 97297, MedGen C0796232, MONDO:0011510, OMIM 605039.

Allele frequency attached by ClinVar (database versions not stated): TOPMed 0.00002; gnomAD exomes 0.00003 and 0.00001; gnomAD 0.00001.
gnomAD v4.1: 8 of 1,614,056 alleles (0.0005%); highest among the groups gnomAD compares: Admixed American, 0.013%; no homozygotes.

Submissions (2):

Labcorp Genetics (formerly Invitae), Labcorp
Classification: Uncertain significance. Last evaluated: 2025-04-11. Review status: criteria provided, single submitter. Criteria: Invitae Variant Classification Sherloc (09022015). Collection method: clinical testing. Allele origin: germline.
Comment: This sequence change replaces serine, which is neutral and polar, with glycine, which is neutral and non-polar, at codon 463 of the ASXL1 protein (p.Ser463Gly). This variant is present in population databases (no rsID available, gnomAD 0.02%). This variant has not been reported in the literature in individuals affected with ASXL1-related conditions. ClinVar contains an entry for this variant (Variation ID: 1031900). An algorithm developed to predict the effect of missense changes on protein structure and function outputs the following: PolyPhen-2: "Benign". The glycine amino acid residue is found in multiple mammalian species, which suggests that this missense change does not adversely affect protein function. In summary, the available evidence is currently insufficient to determine the role of this variant in disease. Therefore, it has been classified as a Variant of Uncertain Significance.

Baylor Genetics
Classification: Uncertain significance for Bohring-Opitz syndrome. Last evaluated: 2018-07-24. Review status: criteria provided, single submitter. Criteria: ACMG Guidelines, 2015. Collection method: clinical testing. Allele origin: paternal. Affected: yes.
Comment: This variant was determined to be of uncertain significance according to ACMG Guidelines, 2015 [PMID:25741868].